The following is an entry in ClinVar:

NM_014425.5(INVS):c.337del (p.Glu113fs)

Gene: INVS (inversin; plus strand). Cytogenetic location: 9q31.1.
Variant type: Deletion.
Coding change: c.337del on transcript NM_014425.5 (MANE Select); coding-DNA position 337, one base deleted (G; older notation c.337delG).
Protein change: p.Glu113fs; shifts the reading frame from glutamic acid 113.
Molecular consequence: frameshift variant. On other transcripts: 5 prime UTR variant (1), non-coding transcript variant (1).
Genome position (GRCh38, 1-based): chr9:100,226,125, G deleted; the last of 2 consecutive G bases (chr9:100,226,124-100,226,125); deleting either gives the same sequence. VCF-style (leftmost placement, unchanged base first): chr9-100226123-TG-T. GRCh37 (hg19) VCF-style: chr9-102988405-TG-T.
Other names: c.49del, p.Glu17fs (NM_001318381.2); c.-653del (NM_001318382.2); short protein forms E113fs, E17fs.
Identifiers: ClinVar variation 2833102 (VCV002833102.3), dbSNP rs2491192475, ClinGen allele CA2690990885.
Genomic context (GRCh38, chr9:100,226,123, plus strand): 5'-GAAATTATCGTTTCATGAAACTCTTACTTACACGCAGAGCAAACTGGATGCAAAAGGATC[TG>T]GAAGAGATGACTCCTTTGCACTTGACCACCCGGCACAGGAGCCCTAAGTGTTTGGCACTT-3'

ClinVar aggregate classification (germline): Pathogenic (1 of 4 stars; one submission).

Conditions:
Nephronophthisis. Also called: Juvenile Nephronophthisis. Identifiers: Orphanet 655, MedGen C0687120, MONDO:0019005, HP:0000090.

Submission:

Labcorp Genetics (formerly Invitae), Labcorp
Classification: Pathogenic for Nephronophthisis. Last evaluated: 2023-04-14. Review status: criteria provided, single submitter. Criteria: Invitae Variant Classification Sherloc (09022015). Collection method: clinical testing. Allele origin: germline.
Comment: For these reasons, this variant has been classified as Pathogenic. This variant has not been reported in the literature in individuals affected with INVS-related conditions. This variant is not present in population databases (gnomAD no frequency). This sequence change creates a premature translational stop signal (p.Glu113Lysfs*3) in the INVS gene. It is expected to result in an absent or disrupted protein product. Loss-of-function variants in INVS are known to be pathogenic (PMID: 12872123).

Literature cited by the submitters: PubMed 12872123.